The following is an entry in ClinVar:

NM_053039.2(UGT2B28):c.647A>G (p.Tyr216Cys)

Gene: UGT2B28 (UDP glucuronosyltransferase family 2 member B28; plus strand). Cytogenetic location: 4q13.2.
Variant type: single nucleotide variant.
Coding change: c.647A>G on transcript NM_053039.2 (MANE Select); coding-DNA position 647, A replaced by G.
Protein change: p.Tyr216Cys; replaces tyrosine 216 with cysteine.
Molecular consequence: missense variant.
Genome position (GRCh38, 1-based): chr4:69,281,147, A>G. VCF-style: chr4-69281147-A-G. GRCh37 (hg19) VCF-style: chr4-70146865-A-G.
Other names: c.647A>G, p.Tyr216Cys (NM_001207004.2); short protein forms Y216C.
Identifiers: ClinVar variation 2532409 (VCV002532409.3), dbSNP rs1323526880, ClinGen allele CA357102267.

ClinVar aggregate classification (germline): Uncertain significance (1 of 4 stars; one submission).

Allele frequency attached by ClinVar (database versions not stated): TOPMed below 0.00001; gnomAD 0.00001.
gnomAD v4.1: 5 of 1,554,396 alleles (0.00032%); highest among the groups gnomAD compares: Admixed American, 0.0055%; 1 homozygote.

Submission:

Ambry Genetics
Classification: Uncertain significance. Last evaluated: 2026-06-11. Review status: criteria provided, single submitter. Criteria: Ambry Variant Classification Scheme 2023. Collection method: clinical testing. Allele origin: germline.
Comment: The c.647A>G (p.Y216C) alteration is located in exon 1 (coding exon 1) of the UGT2B28 gene. This alteration results from a A to G substitution at nucleotide position 647, causing the tyrosine (Y) at amino acid position 216 to be replaced by a cysteine (C). Based on data from gnomAD, the G allele has an overall frequency of <0.001% (1/234828) total alleles studied. The highest observed frequency was 0.003% (1/31384) of Latino alleles. Based on insufficient or conflicting evidence, the clinical significance of this alteration remains unclear.